The following is an entry in ClinVar:

NM_001387430.1(SH2B1):c.1898-281C>T

Gene: SH2B1 (SH2B adaptor protein 1; plus strand). Cytogenetic location: 16p11.2.
Variant type: single nucleotide variant.
Coding change: c.1898-281C>T on transcript NM_001387430.1 (MANE Select); 281 bases into the intron before coding-DNA position 1898, C replaced by T.
Molecular consequence: intron variant.
Genome position (GRCh38, 1-based): chr16:28,873,166, C>T. VCF-style: chr16-28873166-C-T. GRCh37 (hg19) VCF-style: chr16-28884487-C-T.
Other names: c.1898-281C>T (NM_001308293.2, NM_001387404.1, NM_001145795.2); c.1898-4C>T (NM_015503.3, NM_001145812.2, NM_001145796.2); c.1951-4C>T (NM_001145797.2); c.890-4C>T (NM_001308294.2).
Identifiers: ClinVar variation 3357231 (VCV003357231.1).
Genomic context (GRCh38, chr16:28,873,166, plus strand): 5'-GTCTGATCTCTCCCTTTCCCCTGCCCCACCGTCCCATCTGTCCCCACGTTGCCCCTCCCC[C>T]CAGGCCGGGAGCAGGCTGGGAGCCATGCGGGGGTGTGCGAGGGAGATGGATGCCACCCCG-3'

ClinVar aggregate classification (germline): Likely benign (0 of 4 stars; one submission).

Conditions:
SH2B1-related disorder. Also called: SH2B1-related condition.

gnomAD v4.1: 9 of 1,557,968 alleles (0.00058%); highest among the groups gnomAD compares: Admixed American, 0.014%; no homozygotes.

Submission:

PreventionGenetics, part of Exact Sciences
Classification: Likely benign for SH2B1-related condition. Last evaluated: 2023-04-19. Review status: no assertion criteria provided. Collection method: clinical testing. Allele origin: germline.
Comment: This variant is classified as likely benign based on ACMG/AMP sequence variant interpretation guidelines (Richards et al. 2015 PMID: 25741868, with internal and published modifications).